The following is an entry in ClinVar:

ClinVar aggregate classification (germline): Conflicting classifications of pathogenicity. Review status: criteria provided, conflicting classifications (1 of 4 stars). 8 submissions from 8 submitters: Pathogenic (5); Likely pathogenic (2); Uncertain significance (1). Last evaluated 2025-05-02.

Conditions:
Hereditary nonpolyposis colorectal neoplasms. Identifiers: MedGen C0009405, MeSH D003123.
Hereditary cancer-predisposing syndrome. Also called: Tumor predisposition; Hereditary neoplastic syndrome; Hereditary Cancer Syndrome; Neoplastic Syndromes, Hereditary. Identifiers: Orphanet 140162, MedGen C0027672, MeSH D009386, MONDO:0015356.
Hereditary nonpolyposis colon cancer (HNPCC). Also called: Hereditary Nonpolyposis Colorectal Cancer Syndrome; Hereditary nonpolyposis colorectal cancer; Familial nonpolyposis colon cancer. Identifiers: Orphanet 443909, MedGen C1333990, MONDO:0018630. Disease mechanism: loss of function.
Lynch syndrome. Identifiers: Orphanet 144, MedGen C4552100, MONDO:0005835. Disease mechanism: loss of function.
Hereditary breast ovarian cancer syndrome. Also called: Hereditary breast and/or ovarian cancer syndrome; Breast and ovarian cancer; Hereditary breast and ovarian cancer; Hereditary breast and ovarian cancer syndrome; Hereditary breast and ovarian cancer syndrome (HBOC); BRCA1- and BRCA2-Associated Hereditary Breast and Ovarian Cancer. Identifiers: Orphanet 145, MedGen C0677776, MeSH D061325, MONDO:0003582. Disease mechanism: loss of function.
Lynch syndrome 4 (LYNCH4). Also called: Hereditary non-polyposis colorectal cancer, type 4; Colorectal cancer, hereditary nonpolyposis, type 4. Identifiers: Orphanet 144, MedGen C1838333, MONDO:0013699, OMIM 614337. Disease mechanism: loss of function.

Submissions (8):

Dasa
Classification: Likely pathogenic. Last evaluated: 2025-05-02. Review status: criteria provided, single submitter. Criteria: DASA Assertion Criteria. Collection method: clinical testing. Allele origin: germline.
Comment: NM_000535.7(PMS2):c.2182_2184delinsG (p.Thr728AlafsTer7) is a frameshift variant in PMS2 predicted to alter the reading frame and introduce a premature termination codon and is predicted to result in an absent or altered protein product. Loss of function is an established disease mechanism for PMS2 (PMID: 18602922; PMID: 16619239). Also, this variant is absent from population databases. Based on the currently available evidence, this variant is classified as likely pathogenic.

Women's Health and Genetics/Laboratory Corporation of America, LabCorp
Classification: Pathogenic for Hereditary nonpolyposis colon cancer. Last evaluated: 2024-09-26. Review status: criteria provided, single submitter. Criteria: LabCorp Variant Classification Summary - May 2015. Collection method: clinical testing. Allele origin: germline.
Comment: Variant summary: PMS2 c.2182_2184delinsG (p.Thr728AlafsX7) results in a premature termination codon, predicted to cause a truncation of the encoded protein or absence of the protein due to nonsense mediated decay, which are commonly known mechanisms for disease. The variant was absent in 1594000 control chromosomes. c.2182_2184delinsG has been reported in the literature in individual(s) affected with Lynch Syndrome (e.g. Rossi_2017). The following publication have been ascertained in the context of this evaluation (PMID: 28874130). ClinVar contains an entry for this variant (Variation ID: 231999). Based on the evidence outlined above, the variant was classified as pathogenic.

Myriad Genetics, Inc.
Classification: Pathogenic for Lynch syndrome 4. Last evaluated: 2023-09-22. Review status: criteria provided, single submitter. Criteria: Myriad Autosomal Dominant, Autosomal Recessive and X-Linked Classification Criteria (2023). Collection method: clinical testing. Allele origin: unknown.
Comment: This variant is considered pathogenic. This variant creates a frameshift predicted to result in premature protein truncation.

Sema4
Classification: Likely pathogenic for Hereditary cancer-predisposing syndrome. Last evaluated: 2021-04-23. Review status: criteria provided, single submitter. Criteria: Sema4 Curation Guidelines. Collection method: curation. Allele origin: germline.
Comment: The PMS2 c.2182_2184delinsG (p.T728Afs*7) variant has been reported in heterozygosity in at least three individuals with fulfilling criteria for Lynch syndrome (PMID: 28874130, 26248088). This variant causes a frameshift at amino acid 728 that results in premature termination 7 amino acids downstream. At this location, this is predicted to cause nonsense-mediated decay and result in an absent protein (loss of function). Loss of function variants in PMS2 are known to be pathogenic (PMID: 24362816). This variant is not reported in the population database Genome Aggregation Database (PMID: 32461654). This variant has been reported in ClinVar (Variation ID: 231999). Of note, only references where pseudogene testing was conducted are considered in this variant classification. Based on the current evidence available, this variant is interpreted as likely pathogenic.

Molecular Oncology Research Center, Barretos Cancer Hospital
Classification: Pathogenic for Hereditary breast ovarian cancer syndrome. Last evaluated: 2020-08-01. Review status: criteria provided, single submitter. Criteria: ACMG Guidelines, 2015. Collection method: research. Allele origin: germline. Affected: yes. Observed: 1 variant allele.

Ambry Genetics
Classification: Pathogenic for Hereditary cancer-predisposing syndrome. Last evaluated: 2020-02-04. Review status: criteria provided, single submitter. Criteria: Ambry Autosomal Dominant and X-Linked criteria (2/2020). Collection method: clinical testing. Allele origin: germline. Observed: 1 variant allele.
Comment: The c.2182_2187delACTCTCinsGCTC pathogenic mutation (also known as p.T728Afs*7) , located in coding exon 13 of the PMS2 gene, results from the deletion of 6 nucleotides and insertion of 4 nucleotides at positions 2182 to 2187 causing a translational frameshift with a predicted alternate stop codon. In addition to the clinical data presented in the literature, this alteration is expected to result in loss of function by premature protein truncation or nonsense-mediated mRNA decay. As such, this alteration is interpreted as a disease-causing mutation.

Department of Pathology and Laboratory Medicine, Sinai Health System
Classification: Uncertain significance for Lynch syndrome. Last evaluated: 2019-12-31. Review status: criteria provided, single submitter. Criteria: ACMG Guidelines, 2015. Collection method: clinical testing. Allele origin: germline. Affected: yes.

Labcorp Genetics (formerly Invitae), Labcorp
Classification: Pathogenic for Hereditary nonpolyposis colorectal neoplasms. Last evaluated: 2018-07-05. Review status: criteria provided, single submitter. Criteria: Invitae Variant Classification Sherloc (09022015). Collection method: clinical testing. Allele origin: germline.
Comment: This sequence change creates a premature translational stop signal (p.Thr728Alafs*7) in the PMS2 gene. It is expected to result in an absent or disrupted protein product. The frequency data for this variant in the population databases (ExAC no frequency) is considered unreliable due to the presence of homologous sequence, such as pseudogenes or paralogs, in the genome. This variant has been reported in an individual affected with colorectal cancer (PMID: 26248088). ClinVar contains an entry for this variant (Variation ID: 231999). Loss-of-function variants in PMS2 are known to be pathogenic (PMID: 21376568, 24362816). For these reasons, this variant has been classified as Pathogenic.

Literature cited by the submitters: PubMed 26248088 (cited by 5 submitters); PubMed 31916644 (cited by Dasa and Ambry Genetics); PubMed 38900223 (cited by Dasa); PubMed 18602922 (cited by Dasa); PubMed 16619239 (cited by Dasa); PubMed 28874130 (cited by 3 submitters); PubMed 24362816 (cited by Sema4 and Labcorp Genetics (formerly Invitae), Labcorp); PubMed 30161022 (cited by Department of Pathology and Laboratory Medicine, Sinai Health System); PubMed 21376568 (cited by Labcorp Genetics (formerly Invitae), Labcorp).

NM_000535.6(PMS2):c.2182_2184delinsG (p.Thr728Alafs)

Gene: PMS2 (PMS1 homolog 2, mismatch repair system component; minus strand). Cytogenetic location: 7p22.1.
Variant type: Indel.
Coding change: c.2182_2184delinsG on transcript NM_000535.6; coding-DNA positions 2182 to 2184, ACT replaced by G.
Protein change: p.Thr728Alafs; shifts the reading frame from threonine 728.
Molecular consequence: frameshift variant (on NM_000535.7). On other transcripts: non-coding transcript variant (1).
Genome position (GRCh38, 1-based): chr7:5,978,687-5,978,689, AGT replaced by C on the plus strand (ACT replaced by G on the coding strand, the reverse complement: PMS2 is on the minus strand). VCF-style: chr7-5978687-AGT-C. GRCh37 (hg19) VCF-style: chr7-6018318-AGT-C.
Other names: c.2182_2184delinsG (NM_000535.5); c.2182_2184delinsG, p.Thr728fs (NM_000535.7, NM_001322014.2); c.1777_1779delinsG, p.Thr593fs (NM_001322003.2, NM_001322004.2, NM_001322005.2 and 1 more transcripts); c.2026_2028delinsG, p.Thr676fs (NM_001322006.2); c.1864_1866delinsG, p.Thr622fs (NM_001322007.2, NM_001322008.2); c.1621_1623delinsG, p.Thr541fs (NM_001322010.2); c.1249_1251delinsG, p.Thr417fs (NM_001322011.2, NM_001322012.2); c.1609_1611delinsG, p.Thr537fs (NM_001322013.2); and 2 more; short protein forms T625fs, T593fs, T622fs, T728fs, T537fs, T417fs, T541fs, T676fs.
Identifiers: ClinVar variation 231999 (VCV000231999.15), dbSNP rs1554294508, ClinGen allele CA10578651.